The following is an entry in ClinVar:

ClinVar aggregate classification (germline): Likely benign. Review status: criteria provided, multiple submitters, no conflicts (2 of 4 stars). 2 submissions from 2 submitters: Likely benign (2). Last evaluated 2023-10-13.

Allele frequency attached by ClinVar (database versions not stated): ExAC 0.00006; TOPMed 0.00013; gnomAD 0.00014.
gnomAD v4.1: 281 of 1,613,630 alleles (0.017%); highest among the groups gnomAD compares: Middle Eastern, 0.052%; 1 homozygote.

Submissions (2):

Ambry Genetics
Classification: Likely benign. Last evaluated: 2023-10-13. Review status: criteria provided, single submitter. Criteria: Ambry Variant Classification Scheme 2023. Collection method: clinical testing. Allele origin: germline.

CeGaT Center for Human Genetics Tuebingen
Classification: Likely benign. Last evaluated: 2022-09-01. Review status: criteria provided, single submitter. Criteria: CeGaT Center For Human Genetics Tuebingen Variant Classification Criteria Version 2. Collection method: clinical testing. Allele origin: germline. Affected: yes. Observed: 1 variant allele.
Comment: SLC25A10: BP4

NM_012140.5(SLC25A10):c.724G>A (p.Val242Met)

Gene: SLC25A10 (solute carrier family 25 member 10; plus strand). Cytogenetic location: 17q25.3.
Variant type: single nucleotide variant.
Coding change: c.724G>A on transcript NM_012140.5 (MANE Select); coding-DNA position 724, G replaced by A.
Protein change: p.Val242Met; replaces valine 242 with methionine.
Molecular consequence: missense variant.
Genome position (GRCh38, 1-based): chr17:81,719,849, G>A. VCF-style: chr17-81719849-G-A. GRCh37 (hg19) VCF-style: chr17-79686879-G-A.
Other names: c.751G>A, p.Val251Met (NM_001270888.2); c.641G>A, p.Arg214His (NM_001270953.2); c.724G>A (NM_012140.3); short protein forms R214H, V242M, V251M.
Identifiers: ClinVar variation 2648465 (VCV002648465.25), dbSNP rs781290783, ClinGen allele CA8841902.